The following is an entry in ClinVar:

NM_012199.5(AGO1):c.1771T>C (p.Phe591Leu)

Gene: AGO1 (argonaute RISC component 1; plus strand). Cytogenetic location: 1p34.3.
Variant type: single nucleotide variant.
Coding change: c.1771T>C on transcript NM_012199.5 (MANE Select); coding-DNA position 1771, T replaced by C.
Protein change: p.Phe591Leu; replaces phenylalanine 591 with leucine.
Molecular consequence: missense variant.
Genome position (GRCh38, 1-based): chr1:35,914,212, T>C. VCF-style: chr1-35914212-T-C. GRCh37 (hg19) VCF-style: chr1-36379813-T-C.
Other names: c.1771T>C, p.Phe591Leu (NM_001317122.2); c.1546T>C, p.Phe516Leu (NM_001317123.2); short protein forms F516L, F591L.
Identifiers: ClinVar variation 5009464 (VCV005009464.1).

ClinVar aggregate classification (germline): Uncertain significance (1 of 4 stars; one submission).

gnomAD v4.1: 2 of 1,614,194 alleles (0.00012%); highest among the groups gnomAD compares: African/African-American, 0.0013%; no homozygotes.

Submission:

GeneDx
Classification: Uncertain significance. Last evaluated: 2026-03-19. Review status: criteria provided, single submitter. Criteria: GeneDx Variant Classification Process June 2021. Collection method: clinical testing. Allele origin: germline.
Comment: Not observed at significant frequency in large population cohorts (gnomAD); In silico analysis supports that this missense variant has a deleterious effect on protein structure/function; Has not been previously published as pathogenic or benign to our knowledge